The following is an entry in ClinVar:

ClinVar aggregate classification (germline): Uncertain significance (1 of 4 stars; one submission).

Submission:

GeneDx
Classification: Uncertain significance. Last evaluated: 2025-05-09. Review status: criteria provided, single submitter. Criteria: GeneDx Variant Classification Process June 2021. Collection method: clinical testing. Allele origin: germline. Affected: yes.
Comment: Not observed at significant frequency in large population cohorts (gnomAD); In silico analysis supports that this missense variant has a deleterious effect on protein structure/function; Has not been previously published as pathogenic or benign to our knowledge

NM_001114748.2(TMEM240):c.266A>G (p.Asp89Gly)

Gene: TMEM240 (transmembrane protein 240; minus strand). Cytogenetic location: 1p36.33.
Variant type: single nucleotide variant.
Coding change: c.266A>G on transcript NM_001114748.2 (MANE Select); coding-DNA position 266, A replaced by G.
Protein change: p.Asp89Gly; replaces aspartic acid 89 with glycine.
Molecular consequence: missense variant.
Genome position (GRCh38, 1-based): chr1:1,535,696, T>C on the plus strand (A>G on the coding strand, the complement: TMEM240 is on the minus strand). VCF-style: chr1-1535696-T-C. GRCh37 (hg19) VCF-style: chr1-1471076-T-C.
Other names: short protein forms D89G.
Identifiers: ClinVar variation 4528023 (VCV004528023.1).